The following is an entry in ClinVar:

ClinVar aggregate classification (germline): Uncertain significance (1 of 4 stars; one submission).

gnomAD v4.1: 2 of 1,613,948 alleles (0.00012%); highest among the groups gnomAD compares: Non-Finnish European, 0.00017%; no homozygotes.

Submission:

Ambry Genetics
Classification: Uncertain significance. Last evaluated: 2024-08-12. Review status: criteria provided, single submitter. Criteria: Ambry Variant Classification Scheme 2023. Collection method: clinical testing. Allele origin: germline.
Comment: The p.D352N variant (also known as c.1054G>A), located in coding exon 9 of the FAM175A gene, results from a G to A substitution at nucleotide position 1054. The aspartic acid at codon 352 is replaced by asparagine, an amino acid with highly similar properties. This amino acid position is conserved. In addition, this alteration is predicted to be tolerated by in silico analysis. Based on the available evidence, the clinical significance of this variant remains unclear.

NM_139076.3(ABRAXAS1):c.1054G>A (p.Asp352Asn)

Gene: ABRAXAS1 (abraxas 1, BRCA1 A complex subunit; minus strand). Cytogenetic location: 4q21.23.
Variant type: single nucleotide variant.
Coding change: c.1054G>A on transcript NM_139076.3 (MANE Select); coding-DNA position 1054, G replaced by A.
Protein change: p.Asp352Asn; replaces aspartic acid 352 with asparagine.
Molecular consequence: missense variant.
Genome position (GRCh38, 1-based): chr4:83,462,645, C>T on the plus strand (G>A on the coding strand, the complement: ABRAXAS1 is on the minus strand). VCF-style: chr4-83462645-C-T. GRCh37 (hg19) VCF-style: chr4-84383798-C-T.
Other names: c.727G>A, p.Asp243Asn (NM_001345962.2); short protein forms D243N, D352N.
Identifiers: ClinVar variation 3443394 (VCV003443394.1).
Genomic context (GRCh38, chr4:83,462,645, plus strand): 5'-CTTTAGATCGTTTGTCTTGTGTATCTAACAACCGAGATCTCTTGAATTGCCATCTGTCAT[C>T]TAAGTCTAAGGCTTTATGCTTAATGATTTGTGGTGTACTAGCTGGACTAGCTTCAGGAAT-3'
Protein context (NP_620775.2, residues 342-362): QIIKHKALDL[Asp352Asn]DRWQFKRSRL